The following is an entry in ClinVar:

NM_175607.3(CNTN4):c.2295G>C (p.Glu765Asp)

Genes: CNTN4 (contactin 4; plus strand), CNTN4-AS1 (CNTN4 antisense RNA 1; minus strand). Cytogenetic location: 3p26.2.
Variant type: single nucleotide variant.
Coding change: c.2295G>C on transcript NM_175607.3 (MANE Select); coding-DNA position 2295, G replaced by C.
Protein change: p.Glu765Asp; replaces glutamic acid 765 with aspartic acid.
Molecular consequence: missense variant. On other transcripts: non-coding transcript variant (1).
Genome position (GRCh38, 1-based): chr3:3,040,168, G>C. VCF-style: chr3-3040168-G-C. GRCh37 (hg19) VCF-style: chr3-3081852-G-C.
Other names: c.2295G>C (NM_001206955.1); c.2295G>C, p.Glu765Asp (NM_001206955.2, NM_001350095.2); c.1308G>C, p.Glu436Asp (NM_001206956.2); c.1311G>C, p.Glu437Asp (NM_175613.3); short protein forms E436D, E437D, E765D.
Identifiers: ClinVar variation 1023974 (VCV001023974.6), dbSNP rs1323887959, ClinGen allele CA351449716.

ClinVar aggregate classification (germline): Uncertain significance. Review status: criteria provided, multiple submitters, no conflicts (2 of 4 stars). 2 submissions from 2 submitters: Uncertain significance (2). Last evaluated 2025-08-12.

Allele frequency attached by ClinVar (database versions not stated): gnomAD exomes below 0.00001; TOPMed 0.00001.
gnomAD v4.1: 2 of 1,614,190 alleles (0.00012%); highest among the groups gnomAD compares: Admixed American, 0.0017%; no homozygotes.

Submissions (2):

Ambry Genetics
Classification: Uncertain significance. Last evaluated: 2025-08-12. Review status: criteria provided, single submitter. Criteria: Ambry Variant Classification Scheme 2023. Collection method: clinical testing. Allele origin: germline.

Labcorp Genetics (formerly Invitae), Labcorp
Classification: Uncertain significance. Last evaluated: 2018-06-03. Review status: criteria provided, single submitter. Criteria: Invitae Variant Classification Sherloc (09022015). Collection method: clinical testing. Allele origin: germline.
Comment: This sequence change replaces glutamic acid with aspartic acid at codon 765 of the CNTN4 protein (p.Glu765Asp). The glutamic acid residue is highly conserved and there is a small physicochemical difference between glutamic acid and aspartic acid. This variant is not present in population databases (ExAC no frequency). This variant has not been reported in the literature in individuals with CNTN4-related disease. Algorithms developed to predict the effect of missense changes on protein structure and function (SIFT, PolyPhen-2, Align-GVGD) all suggest that this variant is likely to be tolerated, but these predictions have not been confirmed by published functional studies and their clinical significance is uncertain. In summary, the available evidence is currently insufficient to determine the role of this variant in disease. Therefore, it has been classified as a Variant of Uncertain Significance.